The following is an entry in ClinVar:

ClinVar aggregate classification (germline): Uncertain significance (1 of 4 stars; one submission).

Conditions:
Netherton syndrome (NETH). Also called: NETHERTON DISEASE; ERYTHRODERMA, ICHTHYOSIFORM, WITH HYPOTRICHOSIS AND HYPER-IgE; COMEL-NETHERTON SYNDROME. Identifiers: Orphanet 634, MedGen C5574950, MONDO:0009735, OMIM 256500.

Submission:

Labcorp Genetics (formerly Invitae), Labcorp
Classification: Uncertain significance for Ichthyosis linearis circumflexa. Last evaluated: 2021-08-28. Review status: criteria provided, single submitter. Criteria: Invitae Variant Classification Sherloc (09022015). Collection method: clinical testing. Allele origin: germline.
Comment: This sequence change replaces lysine with glutamine at codon 2 of the SPINK5 protein (p.Lys2Gln). The lysine residue is moderately conserved and there is a small physicochemical difference between lysine and glutamine. This variant is not present in population databases (ExAC no frequency). This variant has not been reported in the literature in individuals affected with SPINK5-related conditions. Algorithms developed to predict the effect of missense changes on protein structure and function are either unavailable or do not agree on the potential impact of this missense change (SIFT: "Deleterious"; PolyPhen-2: "Possibly Damaging"; Align-GVGD: "Class C0"). Algorithms developed to predict the effect of sequence changes on RNA splicing suggest that this variant may create or strengthen a splice site. In summary, the available evidence is currently insufficient to determine the role of this variant in disease. Therefore, it has been classified as a Variant of Uncertain Significance.

NM_006846.4(SPINK5):c.4A>C (p.Lys2Gln)

Gene: SPINK5 (serine peptidase inhibitor Kazal type 5; plus strand). Cytogenetic location: 5q32.
Variant type: single nucleotide variant.
Coding change: c.4A>C on transcript NM_006846.4 (MANE Select); coding-DNA position 4, A replaced by C.
Protein change: p.Lys2Gln; replaces lysine 2 with glutamine.
Molecular consequence: missense variant.
Genome position (GRCh38, 1-based): chr5:148,064,048, A>C. VCF-style: chr5-148064048-A-C. GRCh37 (hg19) VCF-style: chr5-147443611-A-C.
Other names: c.4A>C, p.Lys2Gln (NM_001127698.2, NM_001127699.2); short protein forms K2Q.
Identifiers: ClinVar variation 1521038 (VCV001521038.5), dbSNP rs2127180920, ClinGen allele CA361887278.